The following is an entry in ClinVar:

NM_032578.4(MYPN):c.3658A>G (p.Ser1220Gly)

Gene: MYPN (myopalladin; plus strand). Cytogenetic location: 10q21.3.
Variant type: single nucleotide variant.
Coding change: c.3658A>G on transcript NM_032578.4 (MANE Select); coding-DNA position 3658, A replaced by G.
Protein change: p.Ser1220Gly; replaces serine 1220 with glycine.
Molecular consequence: missense variant. On other transcripts: non-coding transcript variant (2).
Genome position (GRCh38, 1-based): chr10:68,201,993, A>G. VCF-style: chr10-68201993-A-G. GRCh37 (hg19) VCF-style: chr10-69961750-A-G.
Other names: c.3658A>G, p.Ser1220Gly (NM_001256267.2); c.2776A>G, p.Ser926Gly (NM_001256268.2); short protein forms S1220G, S926G.
Identifiers: ClinVar variation 581805 (VCV000581805.8), dbSNP rs1252747604, ClinGen allele CA376860402.
Genomic context (GRCh38, chr10:68,201,993, plus strand): 5'-CCACCTGTGTTCTACTGGAAGAAAGACAATGAGACCATCCCTTGCACCAGAGAGAGGATC[A>G]GGTACAGCAGCCACCACATCCAGAGGGACTCCCACTCTCAGTGGGGCTTGTTGCGCCACC-3'
Protein context (NP_115967.2, residues 1210-1230): ETIPCTRERI[Ser1220Gly]MHQDTTGYAC

ClinVar aggregate classification (germline): Uncertain significance (1 of 4 stars; one submission).

Conditions:
Dilated cardiomyopathy 1KK (CMD1KK). Identifiers: Orphanet 154, Orphanet 75249, MedGen C3714995, MONDO:0014100, OMIM 615248.

Allele frequency attached by ClinVar (database versions not stated): gnomAD exomes below 0.00001.
gnomAD v4.1: 4 of 1,614,022 alleles (0.00025%); highest among the groups gnomAD compares: Non-Finnish European, 0.00034%; no homozygotes.

Submission:

Labcorp Genetics (formerly Invitae), Labcorp
Classification: Uncertain significance for Dilated cardiomyopathy 1KK. Last evaluated: 2018-01-31. Review status: criteria provided, single submitter. Criteria: Invitae Variant Classification Sherloc (09022015). Collection method: clinical testing. Allele origin: germline.
Comment: In summary, the available evidence is currently insufficient to determine the role of this variant in disease. Therefore, it has been classified as a Variant of Uncertain Significance. Algorithms developed to predict the effect of sequence changes on RNA splicing suggest that this variant may disrupt the consensus splice site, but this prediction has not been confirmed by published transcriptional studies. Algorithms developed to predict the effect of missense changes on protein structure and function do not agree on the potential impact of this missense change (SIFT: "Tolerated"; PolyPhen-2: "Probably Damaging"; Align-GVGD: "Class C0"). This variant has not been reported in the literature in individuals with MYPN-related disease. This variant is not present in population databases (ExAC no frequency). This sequence change replaces serine with glycine at codon 1220 of the MYPN protein (p.Ser1220Gly). The serine residue is moderately conserved and there is a small physicochemical difference between serine and glycine.